The following is an entry in ClinVar:

ClinVar aggregate classification (germline): Uncertain significance (1 of 4 stars; one submission).

Conditions:
Hereditary cancer-predisposing syndrome. Also called: Hereditary Cancer Syndrome; Hereditary neoplastic syndrome; Neoplastic Syndromes, Hereditary; Tumor predisposition. Identifiers: Orphanet 140162, MedGen C0027672, MeSH D009386, MONDO:0015356.

Submission:

Ambry Genetics
Classification: Uncertain significance for Hereditary cancer-predisposing syndrome. Last evaluated: 2022-06-17. Review status: criteria provided, single submitter. Criteria: Ambry Variant Classification Scheme 2023. Collection method: clinical testing. Allele origin: germline.
Comment: The p.E1956A variant (also known as c.5867A>C), located in coding exon 43 of the POLE gene, results from an A to C substitution at nucleotide position 5867. The glutamic acid at codon 1956 is replaced by alanine, an amino acid with dissimilar properties. This amino acid position is conserved. In addition, this alteration is predicted to be tolerated by in silico analysis. Since supporting evidence is limited at this time, the clinical significance of this alteration remains unclear.

NM_006231.4(POLE):c.5867A>C (p.Glu1956Ala)

Gene: POLE (DNA polymerase epsilon, catalytic subunit; minus strand). Cytogenetic location: 12q24.33.
Variant type: single nucleotide variant.
Coding change: c.5867A>C on transcript NM_006231.4 (MANE Select); coding-DNA position 5867, A replaced by C.
Protein change: p.Glu1956Ala; replaces glutamic acid 1956 with alanine.
Molecular consequence: missense variant.
Genome position (GRCh38, 1-based): chr12:132,634,323, T>G on the plus strand (A>C on the coding strand, the complement: POLE is on the minus strand). VCF-style: chr12-132634323-T-G. GRCh37 (hg19) VCF-style: chr12-133210909-T-G.
Other names: short protein forms E1956A.
Identifiers: ClinVar variation 1750168 (VCV001750168.2), dbSNP rs780843358, ClinGen allele CA387371724.